The following is an entry in ClinVar:

ClinVar aggregate classification (germline): Benign (1 of 4 stars; one submission).

Allele frequency attached by ClinVar (database versions not stated): gnomAD 0.14810 and 0.15439; TOPMed 0.15295; 1000 Genomes Project 30x 0.21096; 1000 Genomes Project 0.21206.
gnomAD v4.1: 23,471 of 152,164 alleles (15%); highest among the groups gnomAD compares: South Asian, 31%; 2,050 homozygotes.

Submission:

GeneDx
Classification: Benign. Last evaluated: 2018-06-14. Review status: criteria provided, single submitter. Criteria: GeneDx Variant Classification (06012015). Collection method: clinical testing. Allele origin: germline. Affected: yes.
Comment: This variant is considered likely benign or benign based on one or more of the following criteria: it is a conservative change, it occurs at a poorly conserved position in the protein, it is predicted to be benign by multiple in silico algorithms, and/or has population frequency not consistent with disease.

NM_007327.4(GRIN1):c.258+235C>T

Gene: GRIN1 (glutamate ionotropic receptor NMDA type subunit 1; plus strand). Cytogenetic location: 9q34.3.
Variant type: single nucleotide variant.
Coding change: c.258+235C>T on transcript NM_007327.4 (MANE Select); 235 bases into the intron after coding-DNA position 258, C replaced by T.
Molecular consequence: intron variant.
Genome position (GRCh38, 1-based): chr9:137,139,979, C>T. VCF-style: chr9-137139979-C-T. GRCh37 (hg19) VCF-style: chr9-140034431-C-T.
Other names: c.258+235C>T (NM_001185090.2, NM_001185091.2, NM_021569.4 and 1 more transcripts).
Identifiers: ClinVar variation 681618 (VCV000681618.1), dbSNP rs2301363, ClinGen allele CA15586137.